The following is an entry in ClinVar:

NM_001558.4(IL10RA):c.501T>G (p.Tyr167Ter)

Gene: IL10RA (interleukin 10 receptor subunit alpha; plus strand). Cytogenetic location: 11q23.3.
Variant type: single nucleotide variant.
Coding change: c.501T>G on transcript NM_001558.4 (MANE Select); coding-DNA position 501, T replaced by G.
Protein change: p.Tyr167Ter; replaces tyrosine 167 with a stop codon.
Molecular consequence: nonsense. On other transcripts: non-coding transcript variant (1).
Genome position (GRCh38, 1-based): chr11:117,993,374, T>G. VCF-style: chr11-117993374-T-G. GRCh37 (hg19) VCF-style: chr11-117864089-T-G.
Other names: short protein forms Y167*.
Identifiers: ClinVar variation 2729159 (VCV002729159.3), dbSNP rs2058036751, ClinGen allele CA382774798.

ClinVar aggregate classification (germline): Pathogenic (1 of 4 stars; one submission).

Conditions:
Inflammatory bowel disease 28. Also called: Inflammatory bowel disease 28, early onset, autosomal recessive. Identifiers: Orphanet 238569, MedGen C2751053, MONDO:0013153, OMIM 613148.

Submission:

Labcorp Genetics (formerly Invitae), Labcorp
Classification: Pathogenic for Inflammatory bowel disease 28. Last evaluated: 2023-07-09. Review status: criteria provided, single submitter. Criteria: Invitae Variant Classification Sherloc (09022015). Collection method: clinical testing. Allele origin: germline.
Comment: This sequence change creates a premature translational stop signal (p.Tyr167*) in the IL10RA gene. It is expected to result in an absent or disrupted protein product. Loss-of-function variants in IL10RA are known to be pathogenic (PMID: 24216686, 25373860, 26822028). For these reasons, this variant has been classified as Pathogenic. This variant has not been reported in the literature in individuals affected with IL10RA-related conditions. This variant is not present in population databases (gnomAD no frequency).

Literature cited by the submitters: PubMed 24216686; PubMed 25373860; PubMed 26822028.